The following is an entry in ClinVar:

NM_002470.4(MYH3):c.1231T>C (p.Tyr411His)

Gene: MYH3 (myosin heavy chain 3; minus strand). Cytogenetic location: 17p13.1.
Variant type: single nucleotide variant.
Coding change: c.1231T>C on transcript NM_002470.4 (MANE Select); coding-DNA position 1231, T replaced by C.
Protein change: p.Tyr411His; replaces tyrosine 411 with histidine.
Molecular consequence: missense variant.
Genome position (GRCh38, 1-based): chr17:10,644,613, A>G on the plus strand (T>C on the coding strand, the complement: MYH3 is on the minus strand). VCF-style: chr17-10644613-A-G. GRCh37 (hg19) VCF-style: chr17-10547930-A-G.
Other names: short protein forms Y411H.
Identifiers: ClinVar variation 2803295 (VCV002803295.3), dbSNP rs2508621373, ClinGen allele CA398175435.

ClinVar aggregate classification (germline): Uncertain significance (1 of 4 stars; one submission).

Allele frequency attached by ClinVar (database versions not stated): gnomAD exomes below 0.00001.
gnomAD v4.1: 1 of 1,614,102 alleles (0.000062%); highest among the groups gnomAD compares: Non-Finnish European, 0.000085%; no homozygotes.

Submission:

Labcorp Genetics (formerly Invitae), Labcorp
Classification: Uncertain significance. Last evaluated: 2023-03-12. Review status: criteria provided, single submitter. Criteria: Invitae Variant Classification Sherloc (09022015). Collection method: clinical testing. Allele origin: germline.
Comment: This sequence change replaces tyrosine, which is neutral and polar, with histidine, which is basic and polar, at codon 411 of the MYH3 protein (p.Tyr411His). This variant is not present in population databases (gnomAD no frequency). This variant has not been reported in the literature in individuals affected with MYH3-related conditions. Advanced modeling of protein sequence and biophysical properties (such as structural, functional, and spatial information, amino acid conservation, physicochemical variation, residue mobility, and thermodynamic stability) performed at Invitae indicates that this missense variant is not expected to disrupt MYH3 protein function. In summary, the available evidence is currently insufficient to determine the role of this variant in disease. Therefore, it has been classified as a Variant of Uncertain Significance.